The following is an entry in ClinVar:

NM_000540.3(RYR1):c.7205_7214+14del

Gene: RYR1 (ryanodine receptor 1; plus strand). Cytogenetic location: 19q13.2.
Variant type: Deletion.
Coding change: c.7205_7214+14del on transcript NM_000540.3 (MANE Select); coding-DNA position 7205 through 14 bases into the intron after coding-DNA position 7214, 24 bases deleted (GGCGCGAGCAGTGAGTCTCCCGGC).
Molecular consequence: splice donor variant.
Genome position (GRCh38, 1-based): chr19:38,499,812-38,499,835, GGCGCGAGCAGTGAGTCTCCCGGC deleted; deleting any 24 consecutive bases within chr19:38,499,807-38,499,835 gives the same sequence; the c. name uses the placement nearest the transcript's 3' end. VCF-style (leftmost placement, unchanged base first): chr19-38499806-ACCGGCGGCGCGAGCAGTGAGTCTC-A. GRCh37 (hg19) VCF-style: chr19-38990446-ACCGGCGGCGCGAGCAGTGAGTCTC-A.
Other names: c.7205_7214+14del (NM_001042723.2).
Identifiers: ClinVar variation 2878813 (VCV002878813.3), dbSNP rs1568501271, ClinGen allele CA633066148.

ClinVar aggregate classification (germline): Likely pathogenic (1 of 4 stars; one submission).

Conditions:
RYR1-related disorder. Also called: RYR1-related condition; RYR1-related disorders. Identifiers: MedGen CN239331.

Submission:

Labcorp Genetics (formerly Invitae), Labcorp
Classification: Likely pathogenic for RYR1-related disorder. Last evaluated: 2023-07-29. Review status: criteria provided, single submitter. Criteria: Invitae Variant Classification Sherloc (09022015). Collection method: clinical testing. Allele origin: germline.
Comment: This variant results in the deletion of part of exon 44 (c.7205_7214+14del) of the RYR1 gene. It is expected to disrupt RNA splicing. Variants that disrupt the donor or acceptor splice site typically lead to a loss of protein function (PMID: 16199547), and loss-of-function variants in RYR1 are known to be pathogenic (PMID: 23919265, 25960145, 28818389, 30611313). This variant is present in population databases (no rsID available, gnomAD 0.003%). This variant has not been reported in the literature in individuals affected with RYR1-related conditions. Algorithms developed to predict the effect of sequence changes on RNA splicing suggest that this variant may disrupt the consensus splice site. In summary, the currently available evidence indicates that the variant is pathogenic, but additional data are needed to prove that conclusively. Therefore, this variant has been classified as Likely Pathogenic.

Literature cited by the submitters: PubMed 16199547; PubMed 23919265; PubMed 25960145; PubMed 28818389; PubMed 30611313.